The following is an entry in ClinVar:

NM_002234.4(KCNA5):c.801C>T (p.Phe267=)

Gene: KCNA5 (potassium voltage-gated channel subfamily A member 5; plus strand). Cytogenetic location: 12p13.32.
Variant type: single nucleotide variant.
Coding change: c.801C>T on transcript NM_002234.4 (MANE Select); coding-DNA position 801, C replaced by T.
Protein change: p.Phe267=; no amino-acid change (phenylalanine 267 retained).
Molecular consequence: synonymous variant.
Genome position (GRCh38, 1-based): chr12:5,044,948, C>T. VCF-style: chr12-5044948-C-T. GRCh37 (hg19) VCF-style: chr12-5154114-C-T.
Identifiers: ClinVar variation 4728346 (VCV004728346.1).

ClinVar aggregate classification (germline): Uncertain significance (1 of 4 stars; one submission).

Conditions:
Atrial fibrillation, familial, 7 (ATFB7). Identifiers: MedGen C2677106, MONDO:0012828, OMIM 612240.

Submission:

Labcorp Genetics (formerly Invitae), Labcorp
Classification: Uncertain significance for Atrial fibrillation, familial, 7. Last evaluated: 2025-10-02. Review status: criteria provided, single submitter. Criteria: Invitae Variant Classification Sherloc (09022015). Collection method: clinical testing. Allele origin: germline.
Comment: This sequence change affects codon 267 of the KCNA5 mRNA. It is a 'silent' change, meaning that it does not change the encoded amino acid sequence of the KCNA5 protein. This variant is not present in population databases (gnomAD no frequency). This variant has not been reported in the literature in individuals affected with KCNA5-related conditions. In summary, the available evidence is currently insufficient to determine the role of this variant in disease. Therefore, it has been classified as a Variant of Uncertain Significance.